The following is an entry in ClinVar:

NM_000371.4(TTR):c.336+18C>T

Gene: TTR (transthyretin; plus strand). Cytogenetic location: 18q12.1.
Variant type: single nucleotide variant.
Coding change: c.336+18C>T on transcript NM_000371.4 (MANE Select); 18 bases into the intron after coding-DNA position 336, C replaced by T.
Molecular consequence: intron variant.
Genome position (GRCh38, 1-based): chr18:31,595,273, C>T. VCF-style: chr18-31595273-C-T. GRCh37 (hg19) VCF-style: chr18-29175236-C-T.
Identifiers: ClinVar variation 1572392 (VCV001572392.10), dbSNP rs370628373, ClinGen allele CA8928452.
Genomic context (GRCh38, chr18:31,595,273, plus strand): 5'-CTGGAAGGCACTTGGCATCTCCCCATTCCATGAGCATGCAGAGGTGAGTATACAGACCTT[C>T]GAGGGTTGTTTTGGTTTTGGTTTTTGCTTTTGGCATTCCAGGAAATGCACAGTTTTACTC-3'

ClinVar aggregate classification (germline): Likely benign. Review status: criteria provided, multiple submitters, no conflicts (2 of 4 stars). 4 submissions from 4 submitters: Likely benign (4). Last evaluated 2026-01-25.

Conditions:
Amyloidosis, hereditary systemic 1 (AMYLD1). Also called: Hereditary oculoleptomeningeal amyloid angiopathy; Familial Transthyretin Amyloidosis; Isolated Cardiac Amyloidosis; Amyloid Cardiomyopathy, Transthyretin-related; Familial amyloid polyneuropathy; Transthyretin Amyloidosis. Identifiers: Orphanet 85447, Orphanet 85451, MedGen C2751492, MONDO:0971004, OMIM 105210.
Carpal tunnel syndrome 1 (CTS1). Also called: Carpal tunnel syndrome, familial. Identifiers: MedGen C5779776, MONDO:0020730, OMIM 115430.
Hyperthyroxinemia, dystransthyretinemic. Also called: HYPERTHYROXINEMIA, DYSPREALBUMINEMIC; EUTHRYROIDAL HYPERTHYROXINEMIA 2. Identifiers: MedGen C2750824, MONDO:0007785, OMIM 145680.

Allele frequency attached by ClinVar (database versions not stated): ExAC 0.00003; gnomAD exomes 0.00003; TOPMed 0.00003; gnomAD 0.00005; ESP Exome Variant Server 0.00008.
gnomAD v4.1: 44 of 1,613,944 alleles (0.0027%); highest among the groups gnomAD compares: South Asian, 0.0055%; no homozygotes.

Submissions (4):

Labcorp Genetics (formerly Invitae), Labcorp
Classification: Likely benign for Amyloidosis, hereditary systemic 1. Last evaluated: 2026-01-25. Review status: criteria provided, single submitter. Criteria: Invitae Variant Classification Sherloc (09022015). Collection method: clinical testing. Allele origin: germline.

Women's Health and Genetics/Laboratory Corporation of America, LabCorp
Classification: Likely benign. Last evaluated: 2024-09-16. Review status: criteria provided, single submitter. Criteria: LabCorp Variant Classification Summary - May 2015. Collection method: clinical testing. Allele origin: germline.
Comment: Variant summary: TTR c.336+18C>T alters a non-conserved nucleotide located at a position not widely known to affect splicing. Consensus agreement among computation tools predict no significant impact on normal splicing. However, these predictions have yet to be confirmed by functional studies. The variant allele was found at a frequency of 3.2e-05 in 251312 control chromosomes. The available data on variant occurrences in the general population are insufficient to allow any conclusion about variant significance. To our knowledge, no occurrence of c.336+18C>T in individuals affected with Transthyretin Amyloidosis and no experimental evidence demonstrating its impact on protein function have been reported. ClinVar contains an entry for this variant (Variation ID: 1572392). Based on the evidence outlined above, the variant was classified as likely benign.

ARUP Laboratories, Molecular Genetics and Genomics, ARUP Laboratories
Classification: Likely benign. Last evaluated: 2023-02-06. Review status: criteria provided, single submitter. Criteria: ARUP Molecular Germline Variant Investigation Process 2024. Collection method: clinical testing. Allele origin: germline.

Fulgent Genetics
Classification: Likely benign for Amyloidosis, hereditary systemic 1; Carpal tunnel syndrome 1; Hyperthyroxinemia, dystransthyretinemic. Last evaluated: 2021-12-16. Review status: criteria provided, single submitter. Criteria: ACMG Guidelines, 2015. Collection method: clinical testing. Allele origin: unknown.